The following is an entry in ClinVar:

ClinVar aggregate classification (germline): Likely benign (1 of 4 stars; one submission).

gnomAD v4.1: 7 of 1,613,902 alleles (0.00043%); highest among the groups gnomAD compares: East Asian, 0.0022%; no homozygotes.

Submission:

CeGaT Center for Human Genetics Tuebingen
Classification: Likely benign. Last evaluated: 2026-09-01. Review status: criteria provided, single submitter. Criteria: CeGaT Center For Human Genetics Tuebingen Variant Classification Criteria Version 2. Collection method: clinical testing. Allele origin: germline. Affected: yes. Observed: 1 variant allele.
Comment: MCM7: BP4, BP7

NM_005916.5(MCM7):c.240C>T (p.Ala80=)

Gene: MCM7 (minichromosome maintenance complex component 7; minus strand). Cytogenetic location: 7q22.1.
Variant type: single nucleotide variant.
Coding change: c.240C>T on transcript NM_005916.5 (MANE Select); coding-DNA position 240, C replaced by T.
Protein change: p.Ala80=; no amino-acid change (alanine 80 retained).
Molecular consequence: synonymous variant. On other transcripts: 5 prime UTR variant (5).
Genome position (GRCh38, 1-based): chr7:100,099,625, G>A on the plus strand (C>T on the coding strand, the complement: MCM7 is on the minus strand). VCF-style: chr7-100099625-G-A. GRCh37 (hg19) VCF-style: chr7-99697248-G-A.
Other names: c.-364C>T (NM_001278595.2, NM_182776.3); c.-82C>T (NM_001439271.1, NM_001439272.1, NM_001439273.1).
Identifiers: ClinVar variation 5041240 (VCV005041240.1).
Genomic context (GRCh38, chr7:100,099,625, plus strand): 5'-TGCCATTGTTCTCTAACCACTCACTTCCCTCTCCTTGTACTGAGGCAGCAGCTCTTGTAC[G>A]GCATCAGCAAAGAGCTTCGCGTAGCGCCTGGCATTCTCACAAATTGAGTCCACCAACTCG-3'
Protein context (NP_005907.3, residues 70-90): ARRYAKLFAD[Ala80=]VQELLPQYKE